The following is an entry in ClinVar:

NM_020975.6(RET):c.3057G>A (p.Ala1019=)

Gene: RET (ret proto-oncogene; plus strand). Cytogenetic location: 10q11.21.
Variant type: single nucleotide variant.
Coding change: c.3057G>A on transcript NM_020975.6 (MANE Select); coding-DNA position 3057, G replaced by A.
Protein change: p.Ala1019=; no amino-acid change (alanine 1019 retained).
Molecular consequence: synonymous variant.
Genome position (GRCh38, 1-based): chr10:43,126,592, G>A. VCF-style: chr10-43126592-G-A. GRCh37 (hg19) VCF-style: chr10-43622040-G-A.
Other names: c.3057G>A, p.Ala1019= (NM_000323.2, NM_001406743.1, NM_001406744.1 and 4 more transcripts); c.2295G>A, p.Ala765= (NM_001355216.2); c.2928G>A, p.Ala976= (NM_001406761.1, NM_001406762.1, NM_001406764.1); c.2922G>A, p.Ala974= (NM_001406763.1, NM_001406765.1); c.2769G>A, p.Ala923= (NM_001406766.1, NM_001406767.1, NM_001406770.1); c.2793G>A, p.Ala931= (NM_001406768.1); c.2661G>A, p.Ala887= (NM_001406769.1, NM_001406772.1); c.2619G>A, p.Ala873= (NM_001406771.1, NM_001406773.1); and 10 more.
Identifiers: ClinVar variation 132727 (VCV000132727.40), dbSNP rs369579749, ClinGen allele CA009183.

ClinVar aggregate classification (germline): Conflicting classifications of pathogenicity. Review status: criteria provided, conflicting classifications (1 of 4 stars). 11 submissions from 10 submitters: Uncertain significance (1); Likely benign (7). 3 of the submissions do not count toward it. Last evaluated 2025-12-13.

Conditions:
RET-related disorder. Also called: RET-related condition; RET-related disease; RET-related disorders.
Hereditary cancer-predisposing syndrome. Also called: Tumor predisposition; Hereditary neoplastic syndrome; Neoplastic Syndromes, Hereditary; Hereditary Cancer Syndrome. Identifiers: Orphanet 140162, MedGen C0027672, MeSH D009386, MONDO:0015356.
Multiple endocrine neoplasia, type 2 (MEN2). Identifiers: Orphanet 653, MedGen C4048306, MONDO:0019003. Disease mechanism: gain of function.
Multiple endocrine neoplasia type 2A. Also called: MULTIPLE ENDOCRINE NEOPLASIA, TYPE IIA; PTC SYNDROME; SIPPLE SYNDROME; MEN 2A; MEN-2A syndrome; Pheochromocytoma and amyloid producing medullary thyroid carcinoma. Identifiers: Orphanet 247698, Orphanet 653, MedGen C0025268, MeSH D018813, MONDO:0008234, OMIM 171400.
Multiple endocrine neoplasia type 2B. Also called: MEN IIB; NEUROMATA, MUCOSAL, WITH ENDOCRINE TUMORS; WAGENMANN-FROBOESE SYNDROME; MULTIPLE ENDOCRINE NEOPLASIA, TYPE III; MUCOSAL NEUROMA SYNDROME; MULTIPLE ENDOCRINE NEOPLASIA, TYPE IIB. Identifiers: Orphanet 247709, Orphanet 653, MedGen C0025269, MeSH D018814, MONDO:0008082, OMIM 162300.

Allele frequency attached by ClinVar (database versions not stated): ExAC 0.00001; gnomAD 0.00001; gnomAD exomes 0.00003 and 0.00006; TOPMed 0.00003; ESP Exome Variant Server 0.00008.

Submissions (11):

Labcorp Genetics (formerly Invitae), Labcorp
Classification: Likely benign for Multiple endocrine neoplasia, type 2. Last evaluated: 2025-12-13. Review status: criteria provided, single submitter. Criteria: Invitae Variant Classification Sherloc (09022015). Collection method: clinical testing. Allele origin: germline.

Women's Health and Genetics/Laboratory Corporation of America, LabCorp
Classification: Likely benign. Last evaluated: 2025-06-16. Review status: criteria provided, single submitter. Criteria: LabCorp Variant Classification Summary - May 2015. Collection method: clinical testing. Allele origin: germline.

Quest Diagnostics Nichols Institute San Juan Capistrano
Classification: Uncertain significance. Last evaluated: 2024-10-08. Review status: criteria provided, single submitter. Criteria: Quest Diagnostics criteria. Collection method: clinical testing. Allele origin: unknown.
Comment: The RET c.3057G>A (p.Ala1019=) synonymous variant has been briefly reported in the published literature in a study of endometrial cancer genomes (PMID: 38408048 (2024)). The frequency of this variant in the general population, 0.000044 (5/113748 chromosomes (Genome Aggregation Database)), is uninformative in the assessment of its pathogenicity. Analysis of this variant using software algorithms for the prediction of the effect of nucleotide changes on RET mRNA splicing yielded predictions that this variant may result in the gain of a cryptic splice site without affecting the natural splice sites. Based on the available information, we are unable to determine the clinical significance of this variant.

CeGaT Center for Human Genetics Tuebingen
Classification: Likely benign. Last evaluated: 2024-05-01. Review status: criteria provided, single submitter. Criteria: CeGaT Center For Human Genetics Tuebingen Variant Classification Criteria Version 2. Collection method: clinical testing. Allele origin: germline. Affected: yes. Observed: 1 variant allele.
Comment: RET: BP4, BP7

All of Us Research Program, National Institutes of Health
Classification: Likely benign for Multiple endocrine neoplasia, type 2. Last evaluated: 2024-01-11. Review status: criteria provided, single submitter. Criteria: ACMG Guidelines, 2015. Collection method: clinical testing. Allele origin: germline. Inheritance: Autosomal dominant inheritance. Observed: 12 variant alleles, 12 heterozygotes.
Comment: This study involves interpretation of variants in research participants for the purpose of population health screening. Participant phenotype was not available at the time of variant classification. Additional details can be found in publication PMID: 35346344, PMCID: PMC8962531

Color Diagnostics, LLC DBA Color Health
Classification: Likely benign for Multiple endocrine neoplasia, type 2. Last evaluated: 2022-09-29. Review status: criteria provided, single submitter. Criteria: ACMG Guidelines, 2015. Collection method: clinical testing. Allele origin: germline.

GeneDx
Classification: Likely benign. Last evaluated: 2017-06-26. Review status: criteria provided, single submitter. Criteria: GeneDx Variant Classification (06012015). Collection method: clinical testing. Allele origin: germline. Affected: yes.
Comment: This variant is considered likely benign or benign based on one or more of the following criteria: it is a conservative change, it occurs at a poorly conserved position in the protein, it is predicted to be benign by multiple in silico algorithms, and/or has population frequency not consistent with disease.

Ambry Genetics
Classification: Likely benign for Hereditary cancer-predisposing syndrome. Last evaluated: 2015-01-19. Review status: criteria provided, single submitter. Criteria: Ambry Variant Classification Scheme 2023. Collection method: clinical testing. Allele origin: germline.

PreventionGenetics, part of Exact Sciences
Classification: Likely benign for RET-related condition. Last evaluated: 2024-02-22. Review status: no assertion criteria provided. Collection method: clinical testing. Allele origin: germline. Not counted in ClinVar's aggregate classification.
Comment: This variant is classified as likely benign based on ACMG/AMP sequence variant interpretation guidelines (Richards et al. 2015 PMID: 25741868, with internal and published modifications).

Counsyl
Classification: Likely benign for Multiple endocrine neoplasia type 2B. Last evaluated: 2016-10-13. Review status: no assertion criteria provided. Collection method: clinical testing. Allele origin: unknown. Not counted in ClinVar's aggregate classification.

Counsyl
Classification: Likely benign for Multiple endocrine neoplasia type 2A. Last evaluated: 2016-10-13. Review status: no assertion criteria provided. Collection method: clinical testing. Allele origin: unknown. Not counted in ClinVar's aggregate classification.

Literature cited by the submitters: PubMed 38408048 (cited by Quest Diagnostics Nichols Institute San Juan Capistrano).